The following is an entry in ClinVar:

NM_003072.5(SMARCA4):c.1490T>C (p.Ile497Thr)

Gene: SMARCA4 (SWI/SNF related BAF chromatin remodeling complex subunit ATPase 4; plus strand). Cytogenetic location: 19p13.2.
Variant type: single nucleotide variant.
Coding change: c.1490T>C on transcript NM_003072.5 (MANE Select); coding-DNA position 1490, T replaced by C.
Protein change: p.Ile497Thr; replaces isoleucine 497 with threonine.
Molecular consequence: missense variant. On other transcripts: non-coding transcript variant (1).
Genome position (GRCh38, 1-based): chr19:10,994,898, T>C. VCF-style: chr19-10994898-T-C. GRCh37 (hg19) VCF-style: chr19-11105574-T-C.
Other names: c.1490T>C, p.Ile497Thr (NM_001128844.3, NM_001128845.2, NM_001128846.2 and 6 more transcripts); short protein forms I497T.
Identifiers: ClinVar variation 4843569 (VCV004843569.1).

ClinVar aggregate classification (germline): Uncertain significance (1 of 4 stars; one submission).

Conditions:
Hereditary cancer-predisposing syndrome. Also called: Neoplastic Syndromes, Hereditary; Tumor predisposition; Hereditary Cancer Syndrome; Hereditary neoplastic syndrome. Identifiers: Orphanet 140162, MedGen C0027672, MeSH D009386, MONDO:0015356.

Submission:

Ambry Genetics
Classification: Uncertain significance for Hereditary cancer-predisposing syndrome. Last evaluated: 2025-12-26. Review status: criteria provided, single submitter. Criteria: Ambry Variant Classification Scheme 2023. Collection method: clinical testing. Allele origin: germline.
Comment: The p.I497T variant (also known as c.1490T>C), located in coding exon 8 of the SMARCA4 gene, results from a T to C substitution at nucleotide position 1490. The isoleucine at codon 497 is replaced by threonine, an amino acid with similar properties. This amino acid position is conserved. In addition, this alteration is predicted to be tolerated by in silico analysis. Based on the available evidence, the clinical significance of this variant remains unclear.